The following is an entry in ClinVar:

NM_001378452.1(ITPR1):c.1976C>G (p.Pro659Arg)

Gene: ITPR1 (inositol 1,4,5-trisphosphate receptor type 1; plus strand). Cytogenetic location: 3p26.1.
Variant type: single nucleotide variant.
Coding change: c.1976C>G on transcript NM_001378452.1 (MANE Select); coding-DNA position 1976, C replaced by G.
Protein change: p.Pro659Arg; replaces proline 659 with arginine.
Molecular consequence: missense variant.
Genome position (GRCh38, 1-based): chr3:4,669,743, C>G. VCF-style: chr3-4669743-C-G. GRCh37 (hg19) VCF-style: chr3-4711427-C-G.
Other names: c.1976C>G, p.Pro659Arg (NM_001099952.4); c.1931C>G, p.Pro644Arg (NM_001168272.2, NM_002222.7); short protein forms P644R, P659R.
Identifiers: ClinVar variation 1328569 (VCV001328569.2), dbSNP rs2125206672, ClinGen allele CA351644480.

ClinVar aggregate classification (germline): Uncertain significance (1 of 4 stars; one submission).

Submission:

GeneDx
Classification: Uncertain significance. Last evaluated: 2021-06-14. Review status: criteria provided, single submitter. Criteria: GeneDx Variant Classification Process June 2021. Collection method: clinical testing. Allele origin: germline. Affected: yes.
Comment: Has not been previously published as pathogenic or benign to our knowledge; Not observed at significant frequency in large population cohorts (Lek et al., 2016); In silico analysis supports that this missense variant has a deleterious effect on protein structure/function; This variant is associated with the following publications: (PMID: 27535533)